The following is an entry in ClinVar:

NM_153676.4(USH1C):c.1019+1G>A

Gene: USH1C (USH1 protein network component harmonin; minus strand). Cytogenetic location: 11p15.1.
Variant type: single nucleotide variant.
Coding change: c.1019+1G>A on transcript NM_153676.4 (MANE Select); the canonical splice donor site of the intron after coding-DNA position 1019, G replaced by A.
Molecular consequence: splice donor variant.
Genome position (GRCh38, 1-based): chr11:17,522,783, C>T on the plus strand (G>A on the coding strand, the complement: USH1C is on the minus strand). VCF-style: chr11-17522783-C-T. GRCh37 (hg19) VCF-style: chr11-17544330-C-T.
Other names: c.962+1G>A (NM_001297764.2); c.1019+1G>A (NM_001440687.1, NM_001440681.1, NM_001440685.1 and 4 more transcripts); c.995+1G>A (NM_001440686.1); c.1052+1G>A (NM_001440684.1, NM_001440679.1).
Identifiers: ClinVar variation 4081818 (VCV004081818.1).

ClinVar aggregate classification (germline): Likely pathogenic (1 of 4 stars; one submission).

Conditions:
Usher syndrome type 1C. Also called: USHER SYNDROME, TYPE I, ACADIAN VARIETY. Identifiers: Orphanet 231169, Orphanet 886, MedGen C1848604, MONDO:0010171, OMIM 276904.

Submission:

Myriad Genetics, Inc.
Classification: Likely pathogenic for Usher syndrome type 1C. Last evaluated: 2025-05-21. Review status: criteria provided, single submitter. Criteria: Myriad Autosomal Dominant, Autosomal Recessive and X-Linked Classification Criteria (2023). Collection method: clinical testing. Allele origin: unknown.
Comment: NM_005709.3(USH1C):c.1019+1G>A is a variant in a canonical splice site classified as likely pathogenic in the context of USH1C-related disorders. c.1019+1G>A has not been observed in cases with relevant disease. Relevant functional assessments of this variant are not available in the literature. c.1019+1G>A has not been observed in referenced population frequency databases. In summary, NM_005709.3(USH1C):c.1019+1G>A is a variant in a canonical splice site in a gene where loss of function is a known mechanism of disease and is predicted to disrupt protein function. Please note: this variant was assessed in the context of healthy population screening.